The following is an entry in ClinVar:

NM_000059.4(BRCA2):c.9698G>T (p.Cys3233Phe)

Gene: BRCA2 (BRCA2 DNA repair associated; plus strand). Cytogenetic location: 13q13.1.
Variant type: single nucleotide variant.
Coding change: c.9698G>T on transcript NM_000059.4 (MANE Select); coding-DNA position 9698, G replaced by T.
Protein change: p.Cys3233Phe; replaces cysteine 3233 with phenylalanine.
Molecular consequence: missense variant. On other transcripts: non-coding transcript variant (1).
Genome position (GRCh38, 1-based): chr13:32,398,211, G>T. VCF-style: chr13-32398211-G-T. GRCh37 (hg19) VCF-style: chr13-32972348-G-T.
Other names: c.9602G>T, p.Cys3201Phe (NM_001406719.1); c.9647G>T, p.Cys3216Phe (NM_001406720.1); c.4766G>T, p.Cys1589Phe (NM_001406721.1); c.3281G>T, p.Cys1094Phe (NM_001406722.1); short protein forms C1094F, C3233F, C1589F, C3201F, C3216F.
Identifiers: ClinVar variation 2976136 (VCV002976136.6), dbSNP rs398122620, ClinGen allele CA6941440.

ClinVar aggregate classification (germline): Conflicting classifications of pathogenicity. Review status: criteria provided, conflicting classifications (1 of 4 stars). 4 submissions from 4 submitters: Uncertain significance (3); Likely benign (1). Last evaluated 2026-04-14.

Conditions:
Hereditary cancer-predisposing syndrome. Also called: Neoplastic Syndromes, Hereditary; Tumor predisposition; Hereditary neoplastic syndrome; Hereditary Cancer Syndrome. Identifiers: Orphanet 140162, MedGen C0027672, MeSH D009386, MONDO:0015356.
Hereditary breast ovarian cancer syndrome. Also called: Hereditary breast and ovarian cancer; Hereditary breast and ovarian cancer syndrome (HBOC); Breast and ovarian cancer; Hereditary breast and/or ovarian cancer syndrome; BRCA1- and BRCA2-Associated Hereditary Breast and Ovarian Cancer; Hereditary breast and ovarian cancer syndrome. Identifiers: Orphanet 145, MedGen C0677776, MeSH D061325, MONDO:0003582. Disease mechanism: loss of function.

Allele frequency attached by ClinVar (database versions not stated): ExAC 0.00002.
gnomAD v4.1: 6 of 1,612,718 alleles (0.00037%); highest among the groups gnomAD compares: Non-Finnish European, 0.00051%; no homozygotes.

Submissions (4):

German Consortium for Hereditary Breast and Ovarian Cancer, University Hospital Cologne
Classification: Likely benign for Hereditary breast ovarian cancer syndrome. Last evaluated: 2026-04-14. Review status: criteria provided, single submitter. Criteria: ClinGen BRCA2 1.2.0. Collection method: curation. Allele origin: germline.
Comment: This classification follows the ClinGen ENIGMA BRCA2 v1.2.0 classification scheme; We chose these criteria: PP3 (supporting pathogenic): Splice AI AG = 0.36, BP7 (strong benign): BP7_STR(RNA): Acedo (2015, PMID: 25382762): 95% WT in minigene assay (as per Table 9 of VCEP Appendices: minigene only --> Proportion WT or (assumed) functional transcript > 30%)

Ambry Genetics
Classification: Uncertain significance for Hereditary cancer-predisposing syndrome. Last evaluated: 2024-03-11. Review status: criteria provided, single submitter. Criteria: Ambry Variant Classification Scheme 2023. Collection method: clinical testing. Allele origin: germline.
Comment: The p.C3233F variant (also known as c.9698G>T), located in coding exon 26 of the BRCA2 gene, results from a G to T substitution at nucleotide position 9698. The cysteine at codon 3233 is replaced by phenylalanine, an amino acid with highly dissimilar properties. This nucleotide position is well conserved in available vertebrate species. In silico splice site analysis predicts that this alteration may result in the creation or strengthening of a novel splice acceptor site. An RNA minigene assay demonstrated this alteration resulted in an acceptor gain (Acedo A et al. Hum Mutat, 2015 Feb;36:210-21).This amino acid position is well conserved in available vertebrate species. In addition, this alteration is predicted to be tolerated by in silico analysis. Based on the available evidence, the clinical significance of this alteration remains unclear.

GeneDx
Classification: Uncertain significance. Last evaluated: 2023-09-12. Review status: criteria provided, single submitter. Criteria: GeneDx Variant Classification Process June 2021. Collection method: clinical testing. Allele origin: germline. Affected: yes.
Comment: In silico analysis supports that this missense variant has a deleterious effect on protein structure/function; Not observed at significant frequency in large population cohorts (gnomAD); In silico analysis suggests this variant may impact gene splicing. In the absence of RNA/functional studies, the actual effect of this sequence change is unknown.; Functional studies using a minigene assay have demonstrated that this variant causes predominantly wild-type/full-length transcript (Acedo et al., 2015); Also known as 9926G>T; This variant is associated with the following publications: (PMID: 25382762)

Labcorp Genetics (formerly Invitae), Labcorp
Classification: Uncertain significance for Hereditary breast ovarian cancer syndrome. Last evaluated: 2023-09-10. Review status: criteria provided, single submitter. Criteria: Invitae Variant Classification Sherloc (09022015). Collection method: clinical testing. Allele origin: germline.
Comment: In summary, the available evidence is currently insufficient to determine the role of this variant in disease. Therefore, it has been classified as a Variant of Uncertain Significance. Studies have shown that this missense change does not affect mRNA splicing (PMID: 25382762). Advanced modeling of protein sequence and biophysical properties (such as structural, functional, and spatial information, amino acid conservation, physicochemical variation, residue mobility, and thermodynamic stability) performed at Invitae indicates that this missense variant is not expected to disrupt BRCA2 protein function. This variant has not been reported in the literature in individuals affected with BRCA2-related conditions. This variant is present in population databases (rs398122620, gnomAD 0.003%). This sequence change replaces cysteine, which is neutral and slightly polar, with phenylalanine, which is neutral and non-polar, at codon 3233 of the BRCA2 protein (p.Cys3233Phe).

Literature cited by the submitters: PubMed 25382762 (cited by Ambry Genetics and Labcorp Genetics (formerly Invitae), Labcorp).